The following is an entry in ClinVar:

NM_006206.6(PDGFRA):c.212T>C (p.Ile71Thr)

Gene: PDGFRA (platelet derived growth factor receptor alpha; plus strand). Cytogenetic location: 4q12.
Variant type: single nucleotide variant.
Coding change: c.212T>C on transcript NM_006206.6 (MANE Select); coding-DNA position 212, T replaced by C.
Protein change: p.Ile71Thr; replaces isoleucine 71 with threonine.
Molecular consequence: missense variant.
Genome position (GRCh38, 1-based): chr4:54,261,257, T>C. VCF-style: chr4-54261257-T-C. GRCh37 (hg19) VCF-style: chr4-55127424-T-C.
Other names: c.212T>C, p.Ile71Thr (NM_001347827.2, NM_001347829.2); c.287T>C, p.Ile96Thr (NM_001347828.2); c.251T>C, p.Ile84Thr (NM_001347830.2); short protein forms I84T, I71T, I96T.
Identifiers: ClinVar variation 645169 (VCV000645169.11), dbSNP rs1577705348, ClinGen allele CA356888503.

ClinVar aggregate classification (germline): Uncertain significance. Review status: criteria provided, multiple submitters, no conflicts (2 of 4 stars). 2 submissions from 2 submitters: Uncertain significance (2). Last evaluated 2022-03-04.

Conditions:
Hereditary cancer-predisposing syndrome. Also called: Hereditary Cancer Syndrome; Tumor predisposition; Neoplastic Syndromes, Hereditary; Hereditary neoplastic syndrome. Identifiers: Orphanet 140162, MedGen C0027672, MeSH D009386, MONDO:0015356.
Gastrointestinal stromal tumor. Also called: Gastrointestinal stromal tumor, somatic; Gastrointestinal stroma tumor. Identifiers: Orphanet 44890, MedGen C0238198, MeSH D046152, MONDO:0011719, OMIM 606764, HP:0100723.

Submissions (2):

Ambry Genetics
Classification: Uncertain significance for Hereditary cancer-predisposing syndrome. Last evaluated: 2022-03-04. Review status: criteria provided, single submitter. Criteria: Ambry Variant Classification Scheme 2023. Collection method: clinical testing. Allele origin: germline.
Comment: The p.I71T variant (also known as c.212T>C), located in coding exon 2 of the PDGFRA gene, results from a T to C substitution at nucleotide position 212. The isoleucine at codon 71 is replaced by threonine, an amino acid with similar properties. This amino acid position is conserved. In addition, this alteration is predicted to be tolerated by in silico analysis. Since supporting evidence is limited at this time, the clinical significance of this alteration remains unclear.

Labcorp Genetics (formerly Invitae), Labcorp
Classification: Uncertain significance for Gastrointestinal stromal tumor. Last evaluated: 2018-08-04. Review status: criteria provided, single submitter. Criteria: Invitae Variant Classification Sherloc (09022015). Collection method: clinical testing. Allele origin: germline.
Comment: This sequence change replaces isoleucine with threonine at codon 71 of the PDGFRA protein (p.Ile71Thr). The isoleucine residue is moderately conserved and there is a moderate physicochemical difference between isoleucine and threonine. This variant is not present in population databases (ExAC no frequency). This variant has not been reported in the literature in individuals with PDGFRA-related disease. Algorithms developed to predict the effect of missense changes on protein structure and function are either unavailable or do not agree on the potential impact of this missense change (SIFT: "Deleterious"; PolyPhen-2: "Benign"; Align-GVGD: "Class C0"). In summary, the available evidence is currently insufficient to determine the role of this variant in disease. Therefore, it has been classified as a Variant of Uncertain Significance.